The following is an entry in ClinVar:

ClinVar aggregate classification (germline): Uncertain significance (1 of 4 stars; one submission).

Conditions:
Hypertrophic cardiomyopathy. Also called: HYPERTROPHIC MYOCARDIOPATHY. Identifiers: Orphanet 217569, MedGen C0007194, MeSH D002312, MONDO:0005045, HP:0001639.

Allele frequency attached by ClinVar (database versions not stated): gnomAD exomes below 0.00001.

Submission:

Labcorp Genetics (formerly Invitae), Labcorp
Classification: Uncertain significance for Hypertrophic cardiomyopathy. Last evaluated: 2019-11-12. Review status: criteria provided, single submitter. Criteria: Invitae Variant Classification Sherloc (09022015). Collection method: clinical testing. Allele origin: germline.
Comment: This sequence change replaces glycine with serine at codon 464 of the MYH7 protein (p.Gly464Ser). The glycine residue is highly conserved and there is a small physicochemical difference between glycine and serine. This variant is not present in population databases (ExAC no frequency). This variant has not been reported in the literature in individuals with MYH7-related conditions. Algorithms developed to predict the effect of missense changes on protein structure and function are either unavailable or do not agree on the potential impact of this missense change (SIFT: "Deleterious"; PolyPhen-2: "Probably Damaging"; Align-GVGD: "Class C0"). This variant is found within a region of MYH7 between codons 181 and 937 that contains the majority of the myosin head domain. Missense variants in this region have been shown to be significantly overrepresented in individuals with hypertrophic cardiomyopathy (PMID: 27532257). In summary, the available evidence is currently insufficient to determine the role of this variant in disease. Therefore, it has been classified as a Variant of Uncertain Significance.

Literature cited by the submitters: PubMed 27532257.

NM_000257.4(MYH7):c.1390G>A (p.Gly464Ser)

Gene: MYH7 (myosin heavy chain 7; minus strand). Cytogenetic location: 14q11.2.
Variant type: single nucleotide variant.
Coding change: c.1390G>A on transcript NM_000257.4 (MANE Select); coding-DNA position 1390, G replaced by A.
Protein change: p.Gly464Ser; replaces glycine 464 with serine.
Molecular consequence: missense variant.
Genome position (GRCh38, 1-based): chr14:23,428,972, C>T on the plus strand (G>A on the coding strand, the complement: MYH7 is on the minus strand). VCF-style: chr14-23428972-C-T. GRCh37 (hg19) VCF-style: chr14-23898181-C-T.
Other names: short protein forms G464S.
Identifiers: ClinVar variation 966834 (VCV000966834.9), dbSNP rs1892809660, ClinGen allele CA389050727.